The following is an entry in ClinVar:

NM_001199201.2(ZBBX):c.863A>T (p.Asp288Val)

Gene: ZBBX (zinc finger B-box domain containing; minus strand). Cytogenetic location: 3q26.1.
Variant type: single nucleotide variant.
Coding change: c.863A>T on transcript NM_001199201.2 (MANE Select); coding-DNA position 863, A replaced by T.
Protein change: p.Asp288Val; replaces aspartic acid 288 with valine.
Molecular consequence: missense variant.
Genome position (GRCh38, 1-based): chr3:167,322,237, T>A on the plus strand (A>T on the coding strand, the complement: ZBBX is on the minus strand). VCF-style: chr3-167322237-T-A. GRCh37 (hg19) VCF-style: chr3-167040025-T-A.
Other names: c.776A>T, p.Asp259Val (NM_001199202.2); c.863A>T, p.Asp288Val (NM_001377489.1, NM_024687.4); short protein forms D259V, D288V.
Identifiers: ClinVar variation 3257458 (VCV003257458.17).

ClinVar aggregate classification (germline): Uncertain significance (1 of 4 stars; one submission).

gnomAD v4.1: 1 of 1,448,356 alleles (0.000069%); highest among the groups gnomAD compares: Non-Finnish European, 0.000091%; no homozygotes.

Submission:

CeGaT Center for Human Genetics Tuebingen
Classification: Uncertain significance. Last evaluated: 2024-07-01. Review status: criteria provided, single submitter. Criteria: CeGaT Center For Human Genetics Tuebingen Variant Classification Criteria Version 2. Collection method: clinical testing. Allele origin: germline. Affected: yes. Observed: 1 variant allele.
Comment: ZBBX: PM2, BP4